The following is an entry in ClinVar:

NM_007055.4(POLR3A):c.2360-2A>G

Gene: POLR3A (RNA polymerase III subunit A; minus strand). Cytogenetic location: 10q22.3.
Variant type: single nucleotide variant.
Coding change: c.2360-2A>G on transcript NM_007055.4 (MANE Select); the canonical splice acceptor site of the intron before coding-DNA position 2360, A replaced by G.
Molecular consequence: splice acceptor variant.
Genome position (GRCh38, 1-based): chr10:78,001,096, T>C on the plus strand (A>G on the coding strand, the complement: POLR3A is on the minus strand). VCF-style: chr10-78001096-T-C. GRCh37 (hg19) VCF-style: chr10-79760854-T-C.
Identifiers: ClinVar variation 2796773 (VCV002796773.3), dbSNP rs2493207951, ClinGen allele CA377336656.

ClinVar aggregate classification (germline): Likely pathogenic (1 of 4 stars; one submission).

Submission:

Labcorp Genetics (formerly Invitae), Labcorp
Classification: Likely pathogenic. Last evaluated: 2024-12-24. Review status: criteria provided, single submitter. Criteria: Invitae Variant Classification Sherloc (09022015). Collection method: clinical testing. Allele origin: germline.
Comment: This sequence change affects an acceptor splice site in intron 17 of the POLR3A gene. It is expected to disrupt RNA splicing. Variants that disrupt the donor or acceptor splice site typically lead to a loss of protein function (PMID: 16199547), and loss-of-function variants in POLR3A are known to be pathogenic (PMID: 21855841, 25339210, 27612211, 30414627, 30450527). This variant is not present in population databases (gnomAD no frequency). This variant has not been reported in the literature in individuals affected with POLR3A-related conditions. ClinVar contains an entry for this variant (Variation ID: 2796773). Algorithms developed to predict the effect of sequence changes on RNA splicing suggest that this variant may disrupt the consensus splice site. In summary, the currently available evidence indicates that the variant is pathogenic, but additional data are needed to prove that conclusively. Therefore, this variant has been classified as Likely Pathogenic.

Literature cited by the submitters: PubMed 16199547; PubMed 21855841; PubMed 25339210; PubMed 27612211; PubMed 30414627; PubMed 30450527.